The following is an entry in ClinVar:

ClinVar aggregate classification (germline): Uncertain significance. Review status: criteria provided, multiple submitters, no conflicts (2 of 4 stars). 3 submissions from 3 submitters: Uncertain significance (3). Last evaluated 2023-01-14.

Conditions:
Hereditary spastic paraplegia 8 (SPG8). Also called: SPASTIC PARAPLEGIA 8, AUTOSOMAL DOMINANT. Identifiers: Orphanet 100989, MedGen C1863704, MONDO:0011339, OMIM 603563.
Ritscher-Schinzel syndrome. Also called: CRANIOCEREBELLOCARDIAC DYSPLASIA. Identifiers: Orphanet 7, MedGen C0796137, MONDO:0019078.

Allele frequency attached by ClinVar (database versions not stated): gnomAD exomes below 0.00001; gnomAD 0.00001; TOPMed 0.00002.
gnomAD v4.1: 10 of 1,613,954 alleles (0.00062%); highest among the groups gnomAD compares: Middle Eastern, 0.016%; no homozygotes.

Submissions (3):

Labcorp Genetics (formerly Invitae), Labcorp
Classification: Uncertain significance for Ritscher-Schinzel syndrome; Hereditary spastic paraplegia 8. Last evaluated: 2023-01-14. Review status: criteria provided, single submitter. Criteria: Invitae Variant Classification Sherloc (09022015). Collection method: clinical testing. Allele origin: germline.
Comment: The frequency data for this variant in the population databases is considered unreliable, as metrics indicate poor data quality at this position in the gnomAD database. This sequence change replaces methionine, which is neutral and non-polar, with valine, which is neutral and non-polar, at codon 354 of the WASHC5 protein (p.Met354Val). This variant has not been reported in the literature in individuals affected with WASHC5-related conditions. Advanced modeling of protein sequence and biophysical properties (such as structural, functional, and spatial information, amino acid conservation, physicochemical variation, residue mobility, and thermodynamic stability) performed at Invitae indicates that this missense variant is not expected to disrupt WASHC5 protein function. In summary, the available evidence is currently insufficient to determine the role of this variant in disease. Therefore, it has been classified as a Variant of Uncertain Significance.

Mayo Clinic Laboratories, Mayo Clinic
Classification: Uncertain significance. Last evaluated: 2022-12-22. Review status: criteria provided, single submitter. Criteria: ACMG Guidelines, 2015. Collection method: clinical testing. Allele origin: germline. Observed: 1 variant allele.
Comment: BP4

Blueprint Genetics
Classification: Uncertain significance. Last evaluated: 2022-12-01. Review status: criteria provided, single submitter. Criteria: ACMG Guidelines, 2015. Collection method: clinical testing. Allele origin: germline.

NM_014846.4(WASHC5):c.1060A>G (p.Met354Val)

Gene: WASHC5 (WASH complex subunit 5; minus strand). Cytogenetic location: 8q24.13.
Variant type: single nucleotide variant.
Coding change: c.1060A>G on transcript NM_014846.4 (MANE Select); coding-DNA position 1060, A replaced by G.
Protein change: p.Met354Val; replaces methionine 354 with valine.
Molecular consequence: missense variant.
Genome position (GRCh38, 1-based): chr8:125,073,243, T>C on the plus strand (A>G on the coding strand, the complement: WASHC5 is on the minus strand). VCF-style: chr8-125073243-T-C. GRCh37 (hg19) VCF-style: chr8-126085485-T-C.
Other names: p.Met354Val; c.616A>G, p.Met206Val (NM_001330609.2); short protein forms M206V, M354V.
Identifiers: ClinVar variation 2683028 (VCV002683028.5), dbSNP rs1011366421, ClinGen allele CA185319891.